The following is an entry in ClinVar:

NM_058216.3(RAD51C):c.718A>G (p.Ile240Val)

Gene: RAD51C (RAD51 paralog C; plus strand). Cytogenetic location: 17q22.
Variant type: single nucleotide variant.
Coding change: c.718A>G on transcript NM_058216.3 (MANE Select); coding-DNA position 718, A replaced by G.
Protein change: p.Ile240Val; replaces isoleucine 240 with valine.
Molecular consequence: missense variant. On other transcripts: non-coding transcript variant (1).
Genome position (GRCh38, 1-based): chr17:58,709,871, A>G. VCF-style: chr17-58709871-A-G. GRCh37 (hg19) VCF-style: chr17-56787232-A-G.
Other names: c.718A>G (NM_058216.1); short protein forms I240V.
Identifiers: ClinVar variation 478612 (VCV000478612.7), dbSNP rs863224806, ClinGen allele CA400353171.

ClinVar aggregate classification (germline): Uncertain significance. Review status: criteria provided, multiple submitters, no conflicts (2 of 4 stars). 2 submissions from 2 submitters: Uncertain significance (2). Last evaluated 2024-12-21.

Conditions:
Hereditary cancer-predisposing syndrome. Also called: Tumor predisposition; Neoplastic Syndromes, Hereditary; Hereditary Cancer Syndrome; Hereditary neoplastic syndrome. Identifiers: Orphanet 140162, MedGen C0027672, MeSH D009386, MONDO:0015356.
Fanconi anemia complementation group O. Also called: RAD51C-Related Fanconi Anemia. Identifiers: Orphanet 84, MedGen C3150653, MONDO:0013248, OMIM 613390.

Submissions (2):

Ambry Genetics
Classification: Uncertain significance for Hereditary cancer-predisposing syndrome. Last evaluated: 2024-12-21. Review status: criteria provided, single submitter. Criteria: Ambry Variant Classification Scheme 2023. Collection method: clinical testing. Allele origin: germline.
Comment: The p.I240V variant (also known as c.718A>G), located in coding exon 5 of the RAD51C gene, results from an A to G substitution at nucleotide position 718. The isoleucine at codon 240 is replaced by valine, an amino acid with highly similar properties. This amino acid position is conserved. In addition, this alteration is predicted to be tolerated by in silico analysis. Based on the available evidence, the clinical significance of this variant remains unclear.

Labcorp Genetics (formerly Invitae), Labcorp
Classification: Uncertain significance for Fanconi anemia complementation group O. Last evaluated: 2021-08-27. Review status: criteria provided, single submitter. Criteria: Invitae Variant Classification Sherloc (09022015). Collection method: clinical testing. Allele origin: germline.
Comment: This sequence change replaces isoleucine with valine at codon 240 of the RAD51C protein (p.Ile240Val). The isoleucine residue is weakly conserved and there is a small physicochemical difference between isoleucine and valine. This variant is not present in population databases (ExAC no frequency). This variant has not been reported in the literature in individuals affected with RAD51C-related conditions. Algorithms developed to predict the effect of missense changes on protein structure and function output the following: SIFT: "Tolerated"; PolyPhen-2: "Benign"; Align-GVGD: "Class C0". The valine amino acid residue is found in multiple mammalian species, which suggests that this missense change does not adversely affect protein function. In summary, the available evidence is currently insufficient to determine the role of this variant in disease. Therefore, it has been classified as a Variant of Uncertain Significance.